The following is an entry in ClinVar:

NM_000321.3(RB1):c.808G>T (p.Asp270Tyr)

Gene: RB1 (RB transcriptional corepressor 1; plus strand). Cytogenetic location: 13q14.2.
Variant type: single nucleotide variant.
Coding change: c.808G>T on transcript NM_000321.3 (MANE Select); coding-DNA position 808, G replaced by T.
Protein change: p.Asp270Tyr; replaces aspartic acid 270 with tyrosine.
Molecular consequence: missense variant.
Genome position (GRCh38, 1-based): chr13:48,362,904, G>T. VCF-style: chr13-48362904-G-T. GRCh37 (hg19) VCF-style: chr13-48937040-G-T.
Other names: c.808G>T, p.Asp270Tyr (NM_001407165.1, NM_001407166.1); short protein forms D270Y.
Identifiers: ClinVar variation 3011807 (VCV003011807.4), dbSNP rs2138112577, ClinGen allele CA388159516.

ClinVar aggregate classification (germline): Uncertain significance. Review status: criteria provided, multiple submitters, no conflicts (2 of 4 stars). 2 submissions from 2 submitters: Uncertain significance (2). Last evaluated 2025-07-14.

Conditions:
Retinoblastoma (RB1). Also called: RETINOBLASTOMA, SOMATIC. Identifiers: Orphanet 790, MedGen C0035335, MeSH D012175, MONDO:0008380, OMIM 180200, HP:0009919. Disease mechanism: loss of function. Inheritance: Both sporadic and heritable forms are tested..

Allele frequency attached by ClinVar (database versions not stated): gnomAD exomes below 0.00001.

Submissions (2):

Color Diagnostics, LLC DBA Color Health
Classification: Uncertain significance for Retinoblastoma. Last evaluated: 2025-07-14. Review status: criteria provided, single submitter. Criteria: ACMG Guidelines, 2015. Collection method: clinical testing. Allele origin: germline.
Comment: This missense variant replaces aspartic acid with tyrosine at codon 270 of the RB1 protein. Computational prediction suggests that this variant may have deleterious impact on protein structure and function. To our knowledge, functional studies have not been reported for this variant. This variant has not been reported in individuals affected with RB1-related disorders in the literature. This variant has not been identified in the general population by the Genome Aggregation Database (gnomAD). The available evidence is insufficient to determine the role of this variant in disease conclusively. Therefore, this variant is classified as a Variant of Uncertain Significance.

Labcorp Genetics (formerly Invitae), Labcorp
Classification: Uncertain significance for Retinoblastoma. Last evaluated: 2022-12-09. Review status: criteria provided, single submitter. Criteria: Invitae Variant Classification Sherloc (09022015). Collection method: clinical testing. Allele origin: germline.
Comment: In summary, the available evidence is currently insufficient to determine the role of this variant in disease. Therefore, it has been classified as a Variant of Uncertain Significance. Algorithms developed to predict the effect of missense changes on protein structure and function (SIFT, PolyPhen-2, Align-GVGD) all suggest that this variant is likely to be disruptive. This variant has not been reported in the literature in individuals affected with RB1-related conditions. This variant is not present in population databases (gnomAD no frequency). This sequence change replaces aspartic acid, which is acidic and polar, with tyrosine, which is neutral and polar, at codon 270 of the RB1 protein (p.Asp270Tyr).